The following is an entry in ClinVar:

NM_000179.3(MSH6):c.42T>C (p.Ser14=)

Gene: MSH6 (mutS homolog 6; plus strand). Cytogenetic location: 2p16.3.
Variant type: single nucleotide variant.
Coding change: c.42T>C on transcript NM_000179.3 (MANE Select); coding-DNA position 42, T replaced by C.
Protein change: p.Ser14=; no amino-acid change (serine 14 retained).
Molecular consequence: synonymous variant. On other transcripts: 5 prime UTR variant (1).
Genome position (GRCh38, 1-based): chr2:47,783,275, T>C. VCF-style: chr2-47783275-T-C. GRCh37 (hg19) VCF-style: chr2-48010414-T-C.
Other names: c.42T>C, p.Ser14= (NM_001281492.2); c.-695T>C (NM_001281493.2).
Identifiers: ClinVar variation 1658215 (VCV001658215.9), dbSNP rs1668112357, ClinGen allele CA425986930.

ClinVar aggregate classification (germline): Benign/Likely benign. Review status: criteria provided, multiple submitters, no conflicts (2 of 4 stars). 3 submissions from 3 submitters: Benign (1); Likely benign (2). Last evaluated 2025-08-17.

Conditions:
Hereditary nonpolyposis colorectal neoplasms. Identifiers: MedGen C0009405, MeSH D003123.
Hereditary cancer-predisposing syndrome. Also called: Tumor predisposition; Hereditary neoplastic syndrome; Neoplastic Syndromes, Hereditary; Hereditary Cancer Syndrome. Identifiers: Orphanet 140162, MedGen C0027672, MeSH D009386, MONDO:0015356.
Lynch syndrome 5 (LYNCH5). Also called: Colorectal cancer, hereditary nonpolyposis, type 5; Hereditary non-polyposis colorectal cancer, type 5. Identifiers: Orphanet 144, MedGen C1833477, MONDO:0013710, OMIM 614350. Disease mechanism: loss of function.

Submissions (3):

Color Diagnostics, LLC DBA Color Health
Classification: Likely benign for Hereditary cancer-predisposing syndrome. Last evaluated: 2025-08-17. Review status: criteria provided, single submitter. Criteria: ACMG Guidelines, 2015. Collection method: clinical testing. Allele origin: germline.

Myriad Genetics, Inc.
Classification: Benign for Lynch syndrome 5. Last evaluated: 2024-12-16. Review status: criteria provided, single submitter. Criteria: Myriad Autosomal Dominant, Autosomal Recessive and X-Linked Classification Criteria (2023). Collection method: clinical testing. Allele origin: unknown.
Comment: This variant is considered benign. This variant is a silent/synonymous amino acid change and it is not expected to impact splicing.

Labcorp Genetics (formerly Invitae), Labcorp
Classification: Likely benign for Hereditary nonpolyposis colorectal neoplasms. Last evaluated: 2023-08-30. Review status: criteria provided, single submitter. Criteria: Invitae Variant Classification Sherloc (09022015). Collection method: clinical testing. Allele origin: germline.